The following is an entry in ClinVar:

ClinVar aggregate classification (germline): Likely benign (1 of 4 stars; one submission).

Conditions:
GATB-related disorder. Also called: GATB-related condition.

gnomAD v4.1: 6 of 1,613,812 alleles (0.00037%); highest among the groups gnomAD compares: East Asian, 0.011%; no homozygotes.

Submission:

PreventionGenetics, part of Exact Sciences
Classification: Likely benign for GATB-related condition. Last evaluated: 2026-08-18. Review status: criteria provided, single submitter. Criteria: ACMG Guidelines, 2015. Collection method: clinical testing. Allele origin: germline.
Comment: This variant is classified as likely benign based on ACMG/AMP sequence variant interpretation guidelines (Richards et al. 2015 PMID: 25741868, with internal and published modifications).

NM_004564.3(GATB):c.442-4G>A

Gene: GATB (glutamyl-tRNA amidotransferase subunit B; minus strand). Cytogenetic location: 4q31.3.
Variant type: single nucleotide variant.
Coding change: c.442-4G>A on transcript NM_004564.3 (MANE Select); 4 bases into the intron before coding-DNA position 442, G replaced by A.
Molecular consequence: intron variant.
Genome position (GRCh38, 1-based): chr4:151,717,078, C>T on the plus strand (G>A on the coding strand, the complement: GATB is on the minus strand). VCF-style: chr4-151717078-C-T. GRCh37 (hg19) VCF-style: chr4-152638230-C-T.
Other names: c.442-4G>A (NM_001363341.2).
Identifiers: ClinVar variation 4992883 (VCV004992883.1).